The following is an entry in ClinVar:

ClinVar aggregate classification (germline): Benign (1 of 4 stars; one submission).

Conditions:
Juvenile polyposis syndrome (JPS). Identifiers: Orphanet 2929, MedGen C0345893, MONDO:0017380, OMIM 174900.

Submission:

Myriad Genetics, Inc.
Classification: Benign for Juvenile polyposis syndrome. Last evaluated: 2024-08-05. Review status: criteria provided, single submitter. Criteria: Myriad Autosomal Dominant, Autosomal Recessive and X-Linked Classification Criteria (2023). Collection method: clinical testing. Allele origin: unknown.
Comment: This variant is considered benign. This variant is a silent/synonymous amino acid change and it is not expected to impact splicing.

NM_004329.3(BMPR1A):c.711C>T (p.Val237=)

Gene: BMPR1A (bone morphogenetic protein receptor type 1A; plus strand). Cytogenetic location: 10q23.2.
Variant type: single nucleotide variant.
Coding change: c.711C>T on transcript NM_004329.3 (MANE Select); coding-DNA position 711, C replaced by T.
Protein change: p.Val237=; no amino-acid change (valine 237 retained).
Molecular consequence: synonymous variant. On other transcripts: non-coding transcript variant (3).
Genome position (GRCh38, 1-based): chr10:86,917,169, C>T. VCF-style: chr10-86917169-C-T. GRCh37 (hg19) VCF-style: chr10-88676926-C-T.
Other names: c.711C>T, p.Val237= (NM_001406581.1, NM_001406582.1, NM_001406561.1 and 19 more transcripts); c.705C>T, p.Val235= (NM_001406583.1); c.627C>T, p.Val209= (NM_001406584.1, NM_001406585.1, NM_001406586.1 and 2 more transcripts); c.369C>T, p.Val123= (NM_001406589.1); c.786C>T, p.Val262= (NM_001406559.1); c.759C>T, p.Val253= (NM_001406560.1).
Identifiers: ClinVar variation 3378767 (VCV003378767.1).